The following is an entry in ClinVar:

ClinVar aggregate classification (germline): Pathogenic. Review status: criteria provided, multiple submitters, no conflicts (2 of 4 stars). 2 submissions from 2 submitters: Pathogenic (2). Last evaluated 2023-09-20.

Conditions:
BTK-related disorder. Also called: BTK-related condition.
X-linked agammaglobulinemia with growth hormone deficiency (IGHD3). Also called: Isolated growth hormone deficiency type 3; Growth hormone deficiency with hypogammaglobulinemia; AGAMMAGLOBULINEMIA AND ISOLATED GROWTH HORMONE DEFICIENCY, X-LINKED; ISOLATED GROWTH HORMONE DEFICIENCY, TYPE III, WITH AGAMMAGLOBULINEMIA; FLEISHER SYNDROME; HYPOGAMMAGLOBULINEMIA AND ISOLATED GROWTH HORMONE DEFICIENCY, X-LINKED. Identifiers: Orphanet 231692, Orphanet 631, MedGen C0472813, MONDO:0010615, OMIM 307200.

Submissions (2):

Labcorp Genetics (formerly Invitae), Labcorp
Classification: Pathogenic for X-linked agammaglobulinemia with growth hormone deficiency. Last evaluated: 2023-09-20. Review status: criteria provided, single submitter. Criteria: Invitae Variant Classification Sherloc (09022015). Collection method: clinical testing. Allele origin: germline.
Comment: This sequence change replaces histidine, which is basic and polar, with arginine, which is basic and polar, at codon 362 of the BTK protein (p.His362Arg). This variant is not present in population databases (gnomAD no frequency). This missense change has been observed in individuals with clinical features of X-linked agammaglobulinemia (PMID: 10754312, 24477949; Invitae). ClinVar contains an entry for this variant (Variation ID: 1460351). Advanced modeling of protein sequence and biophysical properties (such as structural, functional, and spatial information, amino acid conservation, physicochemical variation, residue mobility, and thermodynamic stability) performed at Invitae indicates that this missense variant is expected to disrupt BTK protein function. This variant disrupts the p.His362 amino acid residue in BTK. Other variant(s) that disrupt this residue have been observed in individuals with BTK-related conditions (PMID: 9192269, 34182127), which suggests that this may be a clinically significant amino acid residue. For these reasons, this variant has been classified as Pathogenic.

Blueprint Genetics
Classification: Pathogenic for BTK-related disorders. Last evaluated: 2023-08-08. Review status: criteria provided, single submitter. Criteria: ACMG Guidelines, 2015. Collection method: clinical testing. Allele origin: germline. Affected: yes. Observed: 1 variant allele.

Literature cited by the submitters: PubMed 10754312 (cited by Labcorp Genetics (formerly Invitae), Labcorp); PubMed 24477949 (cited by Labcorp Genetics (formerly Invitae), Labcorp); PubMed 9192269 (cited by Labcorp Genetics (formerly Invitae), Labcorp); PubMed 34182127 (cited by Labcorp Genetics (formerly Invitae), Labcorp).

NM_000061.3(BTK):c.1085A>G (p.His362Arg)

Gene: BTK (Bruton tyrosine kinase; minus strand). Cytogenetic location: Xq22.1.
Variant type: single nucleotide variant.
Coding change: c.1085A>G on transcript NM_000061.3 (MANE Select); coding-DNA position 1085, A replaced by G.
Protein change: p.His362Arg; replaces histidine 362 with arginine.
Molecular consequence: missense variant. On other transcripts: intron variant (1).
Genome position (GRCh38, 1-based): chrX:101,358,327, T>C on the plus strand (A>G on the coding strand, the complement: BTK is on the minus strand). VCF-style: chrX-101358327-T-C. GRCh37 (hg19) VCF-style: chrX-100613315-T-C.
Other names: c.1187A>G, p.His396Arg (NM_001287344.2); c.1038+47A>G (NM_001287345.2); short protein forms H396R, H362R.
Identifiers: ClinVar variation 1460351 (VCV001460351.9), dbSNP rs2147429797, ClinGen allele CA413927702.